The following is an entry in ClinVar:

ClinVar aggregate classification (germline): Uncertain significance. Review status: criteria provided, multiple submitters, no conflicts (2 of 4 stars). 4 submissions from 4 submitters: Uncertain significance (4). Last evaluated 2025-11-18.

Conditions:
Arrhythmogenic cardiomyopathy with wooly hair and keratoderma. Also called: Arrhythmogenic cardiomyopathy with woolly hair and keratoderma; Carvajal syndrome; PALMOPLANTAR KERATODERMA WITH LEFT VENTRICULAR CARDIOMYOPATHY AND WOOLLY HAIR; Dilated cardiomyopathy with woolly hair and keratoderma. Identifiers: Orphanet 65282, MedGen C1854063, MONDO:0011581, OMIM 605676.
Arrhythmogenic right ventricular dysplasia 8 (ARVD8). Also called: Arrhythmogenic Right Ventricular Dysplasia/Cardiomyopathy 8; ARRHYTHMOGENIC RIGHT VENTRICULAR DYSPLASIA, FAMILIAL, 8; ARRHYTHMOGENIC RIGHT VENTRICULAR CARDIOMYOPATHY 8. Identifiers: MedGen C1843896, MONDO:0011831, OMIM 607450.
Cardiomyopathy (CMYO). Also called: Cardiomyopathies. Identifiers: Orphanet 167848, MedGen C0878544, MONDO:0004994, HP:0001638. Inheritance: Various modes of inheritance.

Allele frequency attached by ClinVar (database versions not stated): TOPMed below 0.00001.
gnomAD v4.1: 4 of 1,614,084 alleles (0.00025%); highest among the groups gnomAD compares: Non-Finnish European, 0.00034%; no homozygotes.

Submissions (4):

Labcorp Genetics (formerly Invitae), Labcorp
Classification: Uncertain significance for Arrhythmogenic cardiomyopathy with wooly hair and keratoderma; Arrhythmogenic right ventricular dysplasia 8. Last evaluated: 2025-11-18. Review status: criteria provided, single submitter. Criteria: Invitae Variant Classification Sherloc (09022015). Collection method: clinical testing. Allele origin: germline.
Comment: This sequence change replaces alanine, which is neutral and non-polar, with threonine, which is neutral and polar, at codon 535 of the DSP protein (p.Ala535Thr). This variant is not present in population databases (gnomAD no frequency). This variant has not been reported in the literature in individuals affected with DSP-related conditions. ClinVar contains an entry for this variant (Variation ID: 921337). An algorithm developed to predict the effect of missense changes on protein structure and function (PolyPhen-2) suggests that this variant is likely to be tolerated. In summary, the available evidence is currently insufficient to determine the role of this variant in disease. Therefore, it has been classified as a Variant of Uncertain Significance.

All of Us Research Program, National Institutes of Health
Classification: Uncertain significance for Arrhythmogenic cardiomyopathy with wooly hair and keratoderma. Last evaluated: 2023-12-06. Review status: criteria provided, single submitter. Criteria: ACMG Guidelines, 2015. Collection method: clinical testing. Allele origin: germline. Inheritance: Autosomal dominant inheritance. Observed: 1 variant allele, 1 heterozygote.
Comment: This study involves interpretation of variants in research participants for the purpose of population health screening. Participant phenotype was not available at the time of variant classification. Additional details can be found in publication PMID: 35346344, PMCID: PMC8962531

Color Diagnostics, LLC DBA Color Health
Classification: Uncertain significance for Cardiomyopathy. Last evaluated: 2023-12-04. Review status: criteria provided, single submitter. Criteria: ACMG Guidelines, 2015. Collection method: clinical testing. Allele origin: germline.
Comment: Variant of Uncertain Significance due to insufficient evidence: This missense variant replaces alanine with threonine at codon 535 of the DSP protein. Computational prediction tools and conservation analyses are inconclusive regarding the impact of this variant on the protein function. Computational splicing tools suggest that this variant may not impact RNA splicing. To our knowledge, functional assays have not been performed for this variant nor has this variant been reported in individuals affected with cardiovascular disorders in the literature. This variant is rare in the general population and has been identified in 0/277264 chromosomes by the Genome Aggregation Database (gnomAD). Available evidence is insufficient to determine the role of this variant in disease conclusively.

CeGaT Center for Human Genetics Tuebingen
Classification: Uncertain significance. Last evaluated: 2023-01-01. Review status: criteria provided, single submitter. Criteria: CeGaT Center For Human Genetics Tuebingen Variant Classification Criteria Version 2. Collection method: clinical testing. Allele origin: germline. Affected: yes. Observed: 1 variant allele.
Comment: DSP: PM2

NM_004415.4(DSP):c.1603G>A (p.Ala535Thr)

Gene: DSP (desmoplakin; plus strand). Cytogenetic location: 6p24.3.
Variant type: single nucleotide variant.
Coding change: c.1603G>A on transcript NM_004415.4 (MANE Select); coding-DNA position 1603, G replaced by A.
Protein change: p.Ala535Thr; replaces alanine 535 with threonine.
Molecular consequence: missense variant.
Genome position (GRCh38, 1-based): chr6:7,570,465, G>A. VCF-style: chr6-7570465-G-A. GRCh37 (hg19) VCF-style: chr6-7570698-G-A.
Other names: c.1603G>A, p.Ala535Thr (NM_001008844.3, NM_001319034.2); short protein forms A535T.
Identifiers: ClinVar variation 921337 (VCV000921337.31), dbSNP rs777088675, ClinGen allele CA362678094.